The following is an entry in ClinVar:

NM_005271.5(GLUD1):c.256G>A (p.Val86Met)

Genes: GLUD1 (glutamate dehydrogenase 1; minus strand), SHLD2 (shieldin complex subunit 2; plus strand). Cytogenetic location: 10q23.2.
Variant type: single nucleotide variant.
Coding change: c.256G>A on transcript NM_005271.5 (MANE Select); coding-DNA position 256, G replaced by A.
Protein change: p.Val86Met; replaces valine 86 with methionine.
Molecular consequence: missense variant. On other transcripts: 5 prime UTR variant (3).
Genome position (GRCh38, 1-based): chr10:87,094,514, C>T on the plus strand (G>A on the coding strand, the complement: GLUD1 is on the minus strand). VCF-style: chr10-87094514-C-T. GRCh37 (hg19) VCF-style: chr10-88854271-C-T.
Other names: c.-473G>A (NM_001318904.2); c.-599G>A (NM_001318905.2); c.-306G>A (NM_001318906.2); short protein forms V86M.
Identifiers: ClinVar variation 4680931 (VCV004680931.1).

ClinVar aggregate classification (germline): Uncertain significance (1 of 4 stars; one submission).

gnomAD v4.1: 5 of 1,613,220 alleles (0.00031%); highest among the groups gnomAD compares: African/African-American, 0.0027%; no homozygotes.

Submission:

GeneDx
Classification: Uncertain significance. Last evaluated: 2025-06-30. Review status: criteria provided, single submitter. Criteria: GeneDx Variant Classification Process June 2021. Collection method: clinical testing. Allele origin: germline. Affected: yes.
Comment: In silico analysis suggests that this missense variant does not alter protein structure/function; Has not been previously published as pathogenic or benign to our knowledge